The following is an entry in ClinVar:

ClinVar aggregate classification (germline): Uncertain significance (1 of 4 stars; one submission).

Conditions:
MYCBP2-related disorder. Also called: MYCBP2-related condition.

Submission:

3billion
Classification: Uncertain significance for MYCBP2-related disorder. Last evaluated: 2025-09-02. Review status: criteria provided, single submitter. Criteria: ACMG Guidelines, 2015. Collection method: clinical testing. Allele origin: germline. Affected: yes.
Comment: The variant is not observed in the gnomAD v4.1.0 dataset. Predicted Consequence/Location: Missense variant. Missense changes are a common disease-causing mechanism. In silico tool predictions suggest damaging effect of the variant on gene or gene product [REVEL: 0.70 (>=0.6, sensitivity 0.68 and specificity 0.92); 3Cnet: 0.96 (> 0.75, sensitivity 0.96 and precision 0.92)]. Therefore, this variant is classified as VUS according to the recommendation of ACMG/AMP guideline.

NM_015057.5(MYCBP2):c.10574T>C (p.Leu3525Pro)

Gene: MYCBP2 (MYC binding protein 2; minus strand). Cytogenetic location: 13q22.3.
Variant type: single nucleotide variant.
Coding change: c.10574T>C on transcript NM_015057.5 (MANE Select); coding-DNA position 10574, T replaced by C.
Protein change: p.Leu3525Pro; replaces leucine 3525 with proline.
Molecular consequence: missense variant.
Genome position (GRCh38, 1-based): chr13:77,088,983, A>G on the plus strand (T>C on the coding strand, the complement: MYCBP2 is on the minus strand). VCF-style: chr13-77088983-A-G. GRCh37 (hg19) VCF-style: chr13-77663118-A-G.
Other names: short protein forms L3525P.
Identifiers: ClinVar variation 4855240 (VCV004855240.1).